The following is an entry in ClinVar:

ClinVar aggregate classification (germline): Uncertain significance (1 of 4 stars; one submission).

gnomAD v4.1: 1 of 1,613,146 alleles (0.000062%); highest among the groups gnomAD compares: Non-Finnish European, 0.000085%; no homozygotes.

Submission:

Labcorp Genetics (formerly Invitae), Labcorp
Classification: Uncertain significance. Last evaluated: 2022-10-17. Review status: criteria provided, single submitter. Criteria: Invitae Variant Classification Sherloc (09022015). Collection method: clinical testing. Allele origin: germline.
Comment: In summary, the available evidence is currently insufficient to determine the role of this variant in disease. Therefore, it has been classified as a Variant of Uncertain Significance. Advanced modeling of protein sequence and biophysical properties (such as structural, functional, and spatial information, amino acid conservation, physicochemical variation, residue mobility, and thermodynamic stability) performed at Invitae indicates that this missense variant is expected to disrupt PRPF8 protein function. ClinVar contains an entry for this variant (Variation ID: 1353218). This variant has not been reported in the literature in individuals affected with PRPF8-related conditions. This variant is not present in population databases (gnomAD no frequency). This sequence change replaces arginine, which is basic and polar, with glutamine, which is neutral and polar, at codon 855 of the PRPF8 protein (p.Arg855Gln).

NM_006445.4(PRPF8):c.2564G>A (p.Arg855Gln)

Gene: PRPF8 (pre-mRNA processing factor 8; minus strand). Cytogenetic location: 17p13.3.
Variant type: single nucleotide variant.
Coding change: c.2564G>A on transcript NM_006445.4 (MANE Select); coding-DNA position 2564, G replaced by A.
Protein change: p.Arg855Gln; replaces arginine 855 with glutamine.
Molecular consequence: missense variant.
Genome position (GRCh38, 1-based): chr17:1,676,043, C>T on the plus strand (G>A on the coding strand, the complement: PRPF8 is on the minus strand). VCF-style: chr17-1676043-C-T. GRCh37 (hg19) VCF-style: chr17-1579337-C-T.
Other names: short protein forms R855Q.
Identifiers: ClinVar variation 1353218 (VCV001353218.8), dbSNP rs2151127926, ClinGen allele CA397550095.